The following is an entry in ClinVar:

ClinVar aggregate classification (germline): Uncertain significance (1 of 4 stars; one submission).

Conditions:
Pheochromocytoma/paraganglioma syndrome 5. Also called: Paragangliomas 5; SDHA-Related Hereditary Paraganglioma-Pheochromocytoma Syndrome. Identifiers: Orphanet 29072, MedGen C3279992, MONDO:0013602, OMIM 614165.
Mitochondrial complex II deficiency, nuclear type 1. Also called: SUCCINATE CoQ REDUCTASE DEFICIENCY. Identifiers: Orphanet 3208, MedGen C5700310, MONDO:0100294, OMIM 252011.

Submission:

Labcorp Genetics (formerly Invitae), Labcorp
Classification: Uncertain significance for Pheochromocytoma/paraganglioma syndrome 5; Mitochondrial complex II deficiency, nuclear type 1. Last evaluated: 2022-01-14. Review status: criteria provided, single submitter. Criteria: Invitae Variant Classification Sherloc (09022015). Collection method: clinical testing. Allele origin: germline.
Comment: This sequence change replaces glutamic acid, which is acidic and polar, with lysine, which is basic and polar, at codon 595 of the SDHA protein (p.Glu595Lys). This variant is not present in population databases (gnomAD no frequency). In summary, the available evidence is currently insufficient to determine the role of this variant in disease. Therefore, it has been classified as a Variant of Uncertain Significance. Algorithms developed to predict the effect of missense changes on protein structure and function are either unavailable or do not agree on the potential impact of this missense change (SIFT: "Deleterious"; PolyPhen-2: "Possibly Damaging"; Align-GVGD: "Class C0"). This variant has not been reported in the literature in individuals affected with SDHA-related conditions.

NM_004168.4(SDHA):c.1783G>A (p.Glu595Lys)

Gene: SDHA (succinate dehydrogenase complex flavoprotein subunit A; plus strand). Cytogenetic location: 5p15.33.
Variant type: single nucleotide variant.
Coding change: c.1783G>A on transcript NM_004168.4 (MANE Select); coding-DNA position 1783, G replaced by A.
Protein change: p.Glu595Lys; replaces glutamic acid 595 with lysine.
Molecular consequence: missense variant. On other transcripts: intron variant (1).
Genome position (GRCh38, 1-based): chr5:251,457, G>A. VCF-style: chr5-251457-G-A. GRCh37 (hg19) VCF-style: chr5-251572-G-A.
Other names: c.1639G>A, p.Glu547Lys (NM_001294332.2); c.1552-2936G>A (NM_001330758.2); short protein forms E547K, E595K.
Identifiers: ClinVar variation 2082757 (VCV002082757.4), dbSNP rs756312616, ClinGen allele CA359000430.